The following is an entry in ClinVar:

ClinVar aggregate classification (germline): Conflicting classifications of pathogenicity. Review status: criteria provided, conflicting classifications (1 of 4 stars). 2 submissions from 2 submitters: Uncertain significance (1); Likely benign (1). Last evaluated 2026-03-01.

Allele frequency attached by ClinVar (database versions not stated): ExAC 0.00002.
gnomAD v4.1: 28 of 1,613,358 alleles (0.0017%); highest among the groups gnomAD compares: Admixed American, 0.0033%; no homozygotes.

Submissions (2):

CeGaT Center for Human Genetics Tuebingen
Classification: Likely benign. Last evaluated: 2026-03-01. Review status: criteria provided, single submitter. Criteria: CeGaT Center For Human Genetics Tuebingen Variant Classification Criteria Version 2. Collection method: clinical testing. Allele origin: germline. Affected: yes. Observed: 3 variant alleles.
Comment: DLL1: BS2

Labcorp Genetics (formerly Invitae), Labcorp
Classification: Uncertain significance. Last evaluated: 2026-01-19. Review status: criteria provided, single submitter. Criteria: Invitae Variant Classification Sherloc (09022015). Collection method: clinical testing. Allele origin: germline.
Comment: This sequence change replaces arginine, which is basic and polar, with histidine, which is basic and polar, at codon 598 of the DLL1 protein (p.Arg598His). This variant is present in population databases (rs370005717, gnomAD 0.003%). This variant has not been reported in the literature in individuals affected with DLL1-related conditions. ClinVar contains an entry for this variant (Variation ID: 2059222). An algorithm developed to predict the effect of missense changes on protein structure and function (PolyPhen-2) suggests that this variant is likely to be disruptive. In summary, the available evidence is currently insufficient to determine the role of this variant in disease. Therefore, it has been classified as a Variant of Uncertain Significance.

NM_005618.4(DLL1):c.1793G>A (p.Arg598His)

Gene: DLL1 (delta like canonical Notch ligand 1; minus strand). Cytogenetic location: 6q27.
Variant type: single nucleotide variant.
Coding change: c.1793G>A on transcript NM_005618.4 (MANE Select); coding-DNA position 1793, G replaced by A.
Protein change: p.Arg598His; replaces arginine 598 with histidine.
Molecular consequence: missense variant.
Genome position (GRCh38, 1-based): chr6:170,283,486, C>T on the plus strand (G>A on the coding strand, the complement: DLL1 is on the minus strand). VCF-style: chr6-170283486-C-T. GRCh37 (hg19) VCF-style: chr6-170592574-C-T.
Other names: short protein forms R598H.
Identifiers: ClinVar variation 2059222 (VCV002059222.28), dbSNP rs370005717, ClinGen allele CA4106720.
Genomic context (GRCh38, chr6:170,283,486, plus strand): 5'-TTCTTGTTGGTGTTCTTGATCTGCGTGGCCCCGATGATGCTGACTGAGATGTCCTTCTCA[C>T]GCTGGCAGTTGGCCAGGTTGTTCATGGTCTCCGTCTCCCCCCGGCAGGGGTCGGCTGGGG-3'
Protein context (NP_005609.3, residues 588-608): ETMNNLANCQ[Arg598His]EKDISVSIIG